The following is an entry in ClinVar:

NM_177550.5(SLC13A5):c.1564G>T (p.Val522Phe)

Gene: SLC13A5 (solute carrier family 13 member 5; minus strand). Cytogenetic location: 17p13.1.
Variant type: single nucleotide variant.
Coding change: c.1564G>T on transcript NM_177550.5 (MANE Select); coding-DNA position 1564, G replaced by T.
Protein change: p.Val522Phe; replaces valine 522 with phenylalanine.
Molecular consequence: missense variant. On other transcripts: intron variant (1).
Genome position (GRCh38, 1-based): chr17:6,687,540, C>A on the plus strand (G>T on the coding strand, the complement: SLC13A5 is on the minus strand). VCF-style: chr17-6687540-C-A. GRCh37 (hg19) VCF-style: chr17-6590859-C-A.
Other names: c.1513G>T, p.Val505Phe (NM_001284509.2); c.1435G>T, p.Val479Phe (NM_001284510.2); c.1438-1202G>T (NM_001143838.3); short protein forms V479F, V505F, V522F.
Identifiers: ClinVar variation 2546282 (VCV002546282.3), dbSNP rs1221511903, ClinGen allele CA397737954.

ClinVar aggregate classification (germline): Uncertain significance. Review status: criteria provided, multiple submitters, no conflicts (2 of 4 stars). 2 submissions from 2 submitters: Uncertain significance (2). Last evaluated 2025-12-15.

Conditions:
Inborn genetic diseases. Identifiers: MedGen C0950123, MeSH D030342.
Developmental and epileptic encephalopathy, 25 (DEE25). Also called: Developmental and epileptic encephalopathy 25, with amelogenesis imperfecta; Epileptic encephalopathy, early infantile, 25, with amelogenesis imperfecta; Epileptic encephalopathy, early infantile, 25. Identifiers: Orphanet 442835, MedGen C4014621, MONDO:0014392, OMIM 615905.

gnomAD v4.1: 7 of 1,613,404 alleles (0.00043%); highest among the groups gnomAD compares: Middle Eastern, 0.016%; no homozygotes.

Submissions (2):

Labcorp Genetics (formerly Invitae), Labcorp
Classification: Uncertain significance for Developmental and epileptic encephalopathy, 25. Last evaluated: 2025-12-15. Review status: criteria provided, single submitter. Criteria: Invitae Variant Classification Sherloc (09022015). Collection method: clinical testing. Allele origin: germline.
Comment: This sequence change replaces valine, which is neutral and non-polar, with phenylalanine, which is neutral and non-polar, at codon 522 of the SLC13A5 protein (p.Val522Phe). This variant is present in population databases (no rsID available, gnomAD no frequency). This variant has not been reported in the literature in individuals affected with SLC13A5-related conditions. ClinVar contains an entry for this variant (Variation ID: 2546282). Invitae Evidence Modeling of protein sequence and biophysical properties (such as structural, functional, and spatial information, amino acid conservation, physicochemical variation, residue mobility, and thermodynamic stability) indicates that this missense variant is expected to disrupt SLC13A5 protein function with a positive predictive value of 80%. In summary, the available evidence is currently insufficient to determine the role of this variant in disease. Therefore, it has been classified as a Variant of Uncertain Significance.

Ambry Genetics
Classification: Uncertain significance for Inborn genetic diseases. Last evaluated: 2023-05-15. Review status: criteria provided, single submitter. Criteria: Ambry Variant Classification Scheme 2023. Collection method: clinical testing. Allele origin: germline.